The following is an entry in ClinVar:

NM_001614.5(ACTG1):c.341C>T (p.Ala114Val)

Gene: ACTG1 (actin gamma 1; minus strand). Cytogenetic location: 17q25.3.
Variant type: single nucleotide variant.
Coding change: c.341C>T on transcript NM_001614.5 (MANE Select); coding-DNA position 341, C replaced by T.
Protein change: p.Ala114Val; replaces alanine 114 with valine.
Molecular consequence: missense variant. On other transcripts: non-coding transcript variant (1).
Genome position (GRCh38, 1-based): chr17:81,511,925, G>A on the plus strand (C>T on the coding strand, the complement: ACTG1 is on the minus strand). VCF-style: chr17-81511925-G-A. GRCh37 (hg19) VCF-style: chr17-79478951-G-A.
Other names: c.341C>T, p.Ala114Val (NM_001199954.3); short protein forms A114V.
Identifiers: ClinVar variation 3751327 (VCV003751327.2).

ClinVar aggregate classification (germline): Uncertain significance (1 of 4 stars; one submission).

Conditions:
Autosomal dominant nonsyndromic hearing loss 20. Identifiers: Orphanet 90635, MedGen C1858172, MONDO:0011480, OMIM 604717.
Baraitser-winter syndrome 2. Identifiers: Orphanet 2995, MedGen C3281235, MONDO:0013812, OMIM 614583.

gnomAD v4.1: 2 of 1,614,114 alleles (0.00012%); highest among the groups gnomAD compares: Non-Finnish European, 0.000085%; no homozygotes.

Submission:

Labcorp Genetics (formerly Invitae), Labcorp
Classification: Uncertain significance for Baraitser-winter syndrome 2; Autosomal dominant nonsyndromic hearing loss 20. Last evaluated: 2024-04-30. Review status: criteria provided, single submitter. Criteria: Invitae Variant Classification Sherloc (09022015). Collection method: clinical testing. Allele origin: germline.
Comment: This sequence change replaces alanine, which is neutral and non-polar, with valine, which is neutral and non-polar, at codon 114 of the ACTG1 protein (p.Ala114Val). This variant is present in population databases (no rsID available, gnomAD no frequency). This variant has not been reported in the literature in individuals affected with ACTG1-related conditions. Advanced modeling of protein sequence and biophysical properties (such as structural, functional, and spatial information, amino acid conservation, physicochemical variation, residue mobility, and thermodynamic stability) performed at Invitae indicates that this missense variant is not expected to disrupt ACTG1 protein function with a negative predictive value of 80%. In summary, the available evidence is currently insufficient to determine the role of this variant in disease. Therefore, it has been classified as a Variant of Uncertain Significance.